The following is an entry in ClinVar:

NM_001184.4(ATR):c.6G>T (p.Gly2=)

Gene: ATR (ATR checkpoint kinase; minus strand). Cytogenetic location: 3q23.
Variant type: single nucleotide variant.
Coding change: c.6G>T on transcript NM_001184.4 (MANE Select); coding-DNA position 6, G replaced by T.
Protein change: p.Gly2=; no amino-acid change (glycine 2 retained).
Molecular consequence: synonymous variant.
Genome position (GRCh38, 1-based): chr3:142,578,699, C>A on the plus strand (G>T on the coding strand, the complement: ATR is on the minus strand). VCF-style: chr3-142578699-C-A. GRCh37 (hg19) VCF-style: chr3-142297541-C-A.
Other names: c.6G>T, p.Gly2= (NM_001354579.2).
Identifiers: ClinVar variation 900094 (VCV000900094.15), dbSNP rs143306360, ClinGen allele CA2650883.
Genomic context (GRCh38, chr3:142,578,699, plus strand): 5'-GCCCTACCTGCCCAGCTCCCGCAGGGCGGGGATCATGGAAGCCAGCTCCAGGCCATGTTC[C>A]CCCATGCTGAGGCTGCGAGGCACTAGTCAACCACGCCAACGCGGGTTCCCGGCGTCTCCA-3'
Protein context (NP_001175.2, residues 1-12): M[Gly2=]EHGLELASMI

ClinVar aggregate classification (germline): Conflicting classifications of pathogenicity. Review status: criteria provided, conflicting classifications (1 of 4 stars). 5 submissions from 5 submitters: Uncertain significance (1); Likely benign (4). Last evaluated 2025-09-28.

Conditions:
ATR-related disorder. Also called: ATR-related condition.
Inborn genetic diseases. Identifiers: MedGen C0950123, MeSH D030342.
Seckel syndrome 1 (SCKL1). Also called: MICROCEPHALIC PRIMORDIAL DWARFISM I. Identifiers: Orphanet 808, MedGen C4551474, MONDO:0008869, OMIM 210600.

Allele frequency attached by ClinVar (database versions not stated): ESP Exome Variant Server 0.00023; ExAC 0.00006; gnomAD exomes 0.00006 and 0.00013; gnomAD 0.00007 and 0.00008; TOPMed 0.00009.
gnomAD v4.1: 200 of 1,613,122 alleles (0.012%); highest among the groups gnomAD compares: Non-Finnish European, 0.016%; no homozygotes.

Submissions (5):

Labcorp Genetics (formerly Invitae), Labcorp
Classification: Likely benign. Last evaluated: 2025-09-28. Review status: criteria provided, single submitter. Criteria: Invitae Variant Classification Sherloc (09022015). Collection method: clinical testing. Allele origin: germline.

PreventionGenetics, part of Exact Sciences
Classification: Likely benign for ATR-related condition. Last evaluated: 2025-01-16. Review status: criteria provided, single submitter. Criteria: ACMG Guidelines, 2015. Collection method: clinical testing. Allele origin: germline.
Comment: This variant is classified as likely benign based on ACMG/AMP sequence variant interpretation guidelines (Richards et al. 2015 PMID: 25741868, with internal and published modifications).

Blueprint Genetics
Classification: Likely benign. Last evaluated: 2024-07-31. Review status: criteria provided, single submitter. Criteria: ACMG Guidelines, 2015. Collection method: clinical testing. Allele origin: germline.

Ambry Genetics
Classification: Likely benign for Inborn genetic diseases. Last evaluated: 2022-04-02. Review status: criteria provided, single submitter. Criteria: Ambry Variant Classification Scheme 2023. Collection method: clinical testing. Allele origin: germline.

Illumina Laboratory Services, Illumina
Classification: Uncertain significance for Seckel syndrome 1. Last evaluated: 2018-01-15. Review status: criteria provided, single submitter. Criteria: ICSL Variant Classification Criteria 13 December 2019. Collection method: clinical testing. Allele origin: germline.